The following is an entry in ClinVar:

ClinVar aggregate classification (germline): Uncertain significance. Review status: criteria provided, multiple submitters, no conflicts (2 of 4 stars). 2 submissions from 2 submitters: Uncertain significance (2). Last evaluated 2021-09-01.

Allele frequency attached by ClinVar (database versions not stated): gnomAD exomes below 0.00001.
gnomAD v4.1: 6 of 1,614,182 alleles (0.00037%); highest among the groups gnomAD compares: Middle Eastern, 0.016%; no homozygotes.

Submissions (2):

Labcorp Genetics (formerly Invitae), Labcorp
Classification: Uncertain significance. Last evaluated: 2021-09-01. Review status: criteria provided, single submitter. Criteria: Invitae Variant Classification Sherloc (09022015). Collection method: clinical testing. Allele origin: germline.
Comment: This sequence change replaces arginine with histidine at codon 1253 of the SZT2 protein (p.Arg1253His). The arginine residue is highly conserved and there is a small physicochemical difference between arginine and histidine. This variant is not present in population databases (ExAC no frequency). This variant has not been reported in the literature in individuals affected with SZT2-related conditions. Algorithms developed to predict the effect of missense changes on protein structure and function are either unavailable or do not agree on the potential impact of this missense change (SIFT: "Tolerated"; PolyPhen-2: "Possibly Damaging"; Align-GVGD: "Class C0"). In summary, the available evidence is currently insufficient to determine the role of this variant in disease. Therefore, it has been classified as a Variant of Uncertain Significance.

Blueprint Genetics
Classification: Uncertain significance. Last evaluated: 2021-03-24. Review status: criteria provided, single submitter. Criteria: ACMG Guidelines, 2015. Collection method: clinical testing. Allele origin: germline.

NM_001365999.1(SZT2):c.3929G>A (p.Arg1310His)

Gene: SZT2 (SZT2 subunit of KICSTOR complex; plus strand). Cytogenetic location: 1p34.2.
Variant type: single nucleotide variant.
Coding change: c.3929G>A on transcript NM_001365999.1 (MANE Select); coding-DNA position 3929, G replaced by A.
Protein change: p.Arg1310His; replaces arginine 1310 with histidine.
Molecular consequence: missense variant.
Genome position (GRCh38, 1-based): chr1:43,428,249, G>A. VCF-style: chr1-43428249-G-A. GRCh37 (hg19) VCF-style: chr1-43893920-G-A.
Other names: c.3758G>A, p.Arg1253His (NM_015284.4); short protein forms R1253H, R1310H.
Identifiers: ClinVar variation 1495162 (VCV001495162.6), dbSNP rs1345306217, ClinGen allele CA340019618.